The following is an entry in ClinVar:

NM_002474.3(MYH11):c.346-281C>T

Gene: MYH11 (myosin heavy chain 11; minus strand). Cytogenetic location: 16p13.11.
Variant type: single nucleotide variant.
Coding change: c.346-281C>T on transcript NM_002474.3 (MANE Select); 281 bases into the intron before coding-DNA position 346, C replaced by T.
Molecular consequence: intron variant.
Genome position (GRCh38, 1-based): chr16:15,823,692, G>A on the plus strand (C>T on the coding strand, the complement: MYH11 is on the minus strand). VCF-style: chr16-15823692-G-A. GRCh37 (hg19) VCF-style: chr16-15917549-G-A.
Other names: c.346-281C>T (NM_022844.3, NM_001040114.2, NM_001040113.2).
Identifiers: ClinVar variation 680650 (VCV000680650.1), dbSNP rs35114174, ClinGen allele CA16519664.

ClinVar aggregate classification (germline): Benign (1 of 4 stars; one submission).

Allele frequency attached by ClinVar (database versions not stated): 1000 Genomes Project 30x 0.07433; 1000 Genomes Project 0.07468; TOPMed 0.10084; gnomAD 0.10274 and 0.10472.

Submission:

GeneDx
Classification: Benign. Last evaluated: 2018-06-14. Review status: criteria provided, single submitter. Criteria: GeneDx Variant Classification (06012015). Collection method: clinical testing. Allele origin: germline. Affected: yes.
Comment: This variant is considered likely benign or benign based on one or more of the following criteria: it is a conservative change, it occurs at a poorly conserved position in the protein, it is predicted to be benign by multiple in silico algorithms, and/or has population frequency not consistent with disease.